The following is an entry in ClinVar:

ClinVar aggregate classification (germline): Uncertain significance (1 of 4 stars; one submission).

Submission:

GeneDx
Classification: Uncertain significance. Last evaluated: 2025-03-25. Review status: criteria provided, single submitter. Criteria: GeneDx Variant Classification Process June 2021. Collection method: clinical testing. Allele origin: germline. Affected: yes.
Comment: Not observed at significant frequency in large population cohorts (gnomAD); In silico analysis supports that this missense variant has a deleterious effect on protein structure/function; Has not been previously published as pathogenic or benign to our knowledge; This variant is associated with the following publications: (PMID: 24438169)

NM_001130987.2(DYSF):c.5004G>C (p.Lys1668Asn)

Gene: DYSF (dysferlin; plus strand). Cytogenetic location: 2p13.2.
Variant type: single nucleotide variant.
Coding change: c.5004G>C on transcript NM_001130987.2 (MANE Select); coding-DNA position 5004, G replaced by C.
Protein change: p.Lys1668Asn; replaces lysine 1668 with asparagine.
Molecular consequence: missense variant.
Genome position (GRCh38, 1-based): chr2:71,664,268, G>C. VCF-style: chr2-71664268-G-C. GRCh37 (hg19) VCF-style: chr2-71891398-G-C.
Other names: c.4908G>C, p.Lys1636Asn (NM_001130977.2); c.4950G>C, p.Lys1650Asn (NM_001130978.2); c.4980G>C, p.Lys1660Asn (NM_001130979.2); c.4938G>C, p.Lys1646Asn (NM_001130980.2); c.5001G>C, p.Lys1667Asn (NM_001130981.2); c.4983G>C, p.Lys1661Asn (NM_001130982.2); c.4953G>C, p.Lys1651Asn (NM_001130983.2); c.4911G>C, p.Lys1637Asn (NM_001130984.2); and 5 more; short protein forms K1616N, K1668N, K1615N, K1629N, K1630N, K1637N, K1647N, K1667N.
Identifiers: ClinVar variation 4088242 (VCV004088242.1).